The following is an entry in ClinVar:

ClinVar aggregate classification (germline): Uncertain significance (1 of 4 stars; one submission).

Submission:

Labcorp Genetics (formerly Invitae), Labcorp
Classification: Uncertain significance. Last evaluated: 2024-11-03. Review status: criteria provided, single submitter. Criteria: Invitae Variant Classification Sherloc (09022015). Collection method: clinical testing. Allele origin: germline.
Comment: This sequence change affects a donor splice site in intron 2 of the CDH2 gene. It is expected to disrupt RNA splicing. Variants that disrupt the donor or acceptor splice site typically lead to a loss of protein function (PMID: 16199547), however the current clinical and genetic evidence is not sufficient to establish whether loss-of-function variants in CDH2 cause disease. This variant is not present in population databases (gnomAD no frequency). This variant has not been reported in the literature in individuals affected with CDH2-related conditions. Algorithms developed to predict the effect of sequence changes on RNA splicing suggest that this variant may disrupt the consensus splice site. In summary, the available evidence is currently insufficient to determine the role of this variant in disease. Therefore, it has been classified as a Variant of Uncertain Significance.

Literature cited by the submitters: PubMed 16199547.

NM_001792.5(CDH2):c.172+1G>A

Gene: CDH2 (cadherin 2; minus strand). Cytogenetic location: 18q12.1.
Variant type: single nucleotide variant.
Coding change: c.172+1G>A on transcript NM_001792.5 (MANE Select); the canonical splice donor site of the intron after coding-DNA position 172, G replaced by A.
Molecular consequence: splice donor variant.
Genome position (GRCh38, 1-based): chr18:28,147,672, C>T on the plus strand (G>A on the coding strand, the complement: CDH2 is on the minus strand). VCF-style: chr18-28147672-C-T. GRCh37 (hg19) VCF-style: chr18-25727636-C-T.
Identifiers: ClinVar variation 3724507 (VCV003724507.2).